The following is an entry in ClinVar:

NM_004230.4(S1PR2):c.578G>T (p.Cys193Phe)

Gene: S1PR2 (sphingosine-1-phosphate receptor 2; minus strand). Cytogenetic location: 19p13.2.
Variant type: single nucleotide variant.
Coding change: c.578G>T on transcript NM_004230.4 (MANE Select); coding-DNA position 578, G replaced by T.
Protein change: p.Cys193Phe; replaces cysteine 193 with phenylalanine.
Molecular consequence: missense variant.
Genome position (GRCh38, 1-based): chr19:10,224,328, C>A on the plus strand (G>T on the coding strand, the complement: S1PR2 is on the minus strand). VCF-style: chr19-10224328-C-A. GRCh37 (hg19) VCF-style: chr19-10335004-C-A.
Other names: c.578G>T (NM_004230.3); short protein forms C193F.
Identifiers: ClinVar variation 1427405 (VCV001427405.9), dbSNP rs780666522, ClinGen allele CA9189068.

ClinVar aggregate classification (germline): Uncertain significance. Review status: criteria provided, multiple submitters, no conflicts (2 of 4 stars). 3 submissions from 3 submitters: Uncertain significance (3). Last evaluated 2025-12-15.

Conditions:
Inborn genetic diseases. Identifiers: MedGen C0950123, MeSH D030342.

Allele frequency attached by ClinVar (database versions not stated): gnomAD exomes 0.00001 and 0.00002; ExAC 0.00002; gnomAD 0.00003; TOPMed 0.00006.
gnomAD v4.1: 15 of 1,614,030 alleles (0.00093%); highest among the groups gnomAD compares: Middle Eastern, 0.016%; no homozygotes.

Submissions (3):

Ambry Genetics
Classification: Uncertain significance for Inborn genetic diseases. Last evaluated: 2025-12-15. Review status: criteria provided, single submitter. Criteria: Ambry Variant Classification Scheme 2023. Collection method: clinical testing. Allele origin: germline.

GeneDx
Classification: Uncertain significance. Last evaluated: 2025-02-04. Review status: criteria provided, single submitter. Criteria: GeneDx Variant Classification Process June 2021. Collection method: clinical testing. Allele origin: germline. Affected: yes.
Comment: Not observed at significant frequency in large population cohorts (gnomAD); In silico analysis indicates that this missense variant does not alter protein structure/function; Has not been previously published as pathogenic or benign to our knowledge

Labcorp Genetics (formerly Invitae), Labcorp
Classification: Uncertain significance. Last evaluated: 2023-08-04. Review status: criteria provided, single submitter. Criteria: Invitae Variant Classification Sherloc (09022015). Collection method: clinical testing. Allele origin: germline.
Comment: This sequence change replaces cysteine, which is neutral and slightly polar, with phenylalanine, which is neutral and non-polar, at codon 193 of the S1PR2 protein (p.Cys193Phe). In summary, the available evidence is currently insufficient to determine the role of this variant in disease. Therefore, it has been classified as a Variant of Uncertain Significance. Algorithms developed to predict the effect of missense changes on protein structure and function output the following: SIFT: "Not Available"; PolyPhen-2: "Benign"; Align-GVGD: "Not Available". The phenylalanine amino acid residue is found in multiple mammalian species, which suggests that this missense change does not adversely affect protein function. ClinVar contains an entry for this variant (Variation ID: 1427405). This variant has not been reported in the literature in individuals affected with S1PR2-related conditions. This variant is present in population databases (rs780666522, gnomAD 0.006%).